The following is an entry in ClinVar:

ClinVar aggregate classification (germline): Likely benign. Review status: criteria provided, multiple submitters, no conflicts (2 of 4 stars). 3 submissions from 3 submitters: Likely benign (3). Last evaluated 2025-08-25.

Conditions:
Cardiovascular phenotype. Identifiers: MedGen CN230736.
Dilated cardiomyopathy 1G (CMD1G). Identifiers: Orphanet 154, MedGen C1858763, MONDO:0011400, OMIM 604145.
Autosomal recessive limb-girdle muscular dystrophy type 2J (LGMDR10). Also called: MUSCULAR DYSTROPHY, LIMB-GIRDLE, AUTOSOMAL RECESSIVE 10; Limb-girdle muscular dystrophy, type 2J. Identifiers: Orphanet 140922, MedGen C1837342, MONDO:0012127, OMIM 608807.

gnomAD v4.1: 5 of 1,613,940 alleles (0.00031%); highest among the groups gnomAD compares: Non-Finnish European, 0.00042%; no homozygotes.

Submissions (3):

Labcorp Genetics (formerly Invitae), Labcorp
Classification: Likely benign for Dilated cardiomyopathy 1G; Autosomal recessive limb-girdle muscular dystrophy type 2J. Last evaluated: 2025-08-25. Review status: criteria provided, single submitter. Criteria: Invitae Variant Classification Sherloc (09022015). Collection method: clinical testing. Allele origin: germline.

Ambry Genetics
Classification: Likely benign for Cardiovascular phenotype. Last evaluated: 2021-10-29. Review status: criteria provided, single submitter. Criteria: Ambry Variant Classification Scheme 2023. Collection method: clinical testing. Allele origin: germline.

GeneDx
Classification: Likely benign. Last evaluated: 2018-04-04. Review status: criteria provided, single submitter. Criteria: GeneDx Variant Classification (06012015). Collection method: clinical testing. Allele origin: germline. Affected: yes.
Comment: This variant is considered likely benign or benign based on one or more of the following criteria: it is a conservative change, it occurs at a poorly conserved position in the protein, it is predicted to be benign by multiple in silico algorithms, and/or has population frequency not consistent with disease.

NM_001267550.2(TTN):c.107289T>C (p.Asn35763=)

Genes: TTN-AS1 (TTN antisense RNA 1; plus strand), TTN (titin; minus strand). Cytogenetic location: 2q31.2.
Variant type: single nucleotide variant.
Coding change: c.107289T>C on transcript NM_001267550.2 (MANE Select); coding-DNA position 107289, T replaced by C.
Protein change: p.Asn35763=; no amino-acid change (asparagine 35763 retained).
Molecular consequence: synonymous variant.
Genome position (GRCh38, 1-based): chr2:178,528,362, A>G on the plus strand (T>C on the coding strand, the complement: TTN is on the minus strand). VCF-style: chr2-178528362-A-G. GRCh37 (hg19) VCF-style: chr2-179393089-A-G.
Other names: c.102366T>C, p.Asn34122= (NM_001256850.1); c.80094T>C, p.Asn26698= (NM_003319.4); c.99585T>C, p.Asn33195= (NM_133378.4); c.80469T>C, p.Asn26823= (NM_133432.3); c.80670T>C, p.Asn26890= (NM_133437.4).
Identifiers: ClinVar variation 681818 (VCV000681818.11), dbSNP rs900676745, ClinGen allele CA60949908.
Genomic context (GRCh38, chr2:178,528,362, plus strand): 5'-ACACTGGCCACGGAAATTTTTGGCCTTAATTGTGTACTTTCCACTGTCGCTGACTGATGC[A>G]TTTCGGATTTCAAGGGAGTATACATTTCTGGAGCGGCTTATGCTGACATTTGAAGAAATA-3'
Protein context (NP_001254479.2, residues 35753-35773): SRNVYSLEIR[Asn35763=]ASVSDSGKYT